The following is an entry in ClinVar:

NM_000435.3(NOTCH3):c.3645C>T (p.His1215=)

Gene: NOTCH3 (notch receptor 3; minus strand). Cytogenetic location: 19p13.12.
Variant type: single nucleotide variant.
Coding change: c.3645C>T on transcript NM_000435.3 (MANE Select); coding-DNA position 3645, C replaced by T.
Protein change: p.His1215=; no amino-acid change (histidine 1215 retained).
Molecular consequence: synonymous variant.
Genome position (GRCh38, 1-based): chr19:15,179,098, G>A on the plus strand (C>T on the coding strand, the complement: NOTCH3 is on the minus strand). VCF-style: chr19-15179098-G-A. GRCh37 (hg19) VCF-style: chr19-15289909-G-A.
Identifiers: ClinVar variation 733443 (VCV000733443.12), dbSNP rs773203358, ClinGen allele CA9263028.

ClinVar aggregate classification (germline): Likely benign. Review status: criteria provided, multiple submitters, no conflicts (2 of 4 stars). 4 submissions from 4 submitters: Likely benign (4). Last evaluated 2026-04-07.

Conditions:
Cerebral arteriopathy, autosomal dominant, with subcortical infarcts and leukoencephalopathy, type 1 (CADASIL1). Also called: CASIL; Cerebral arteriopathy with subcortical infarcts and leukoencephalopathy 1; CADASIL 1; DEMENTIA, HEREDITARY MULTIINFARCT TYPE. Identifiers: Orphanet 136, MedGen C4551768, MONDO:0000914, OMIM 125310.

Allele frequency attached by ClinVar (database versions not stated): gnomAD 0.00011; TOPMed 0.00013.
gnomAD v4.1: 120 of 1,614,202 alleles (0.0074%); highest among the groups gnomAD compares: African/African-American, 0.0013%; no homozygotes.

Submissions (4):

Women's Health and Genetics/Laboratory Corporation of America, LabCorp
Classification: Likely benign. Last evaluated: 2026-04-07. Review status: criteria provided, single submitter. Criteria: LabCorp Variant Classification Summary - May 2015. Collection method: clinical testing. Allele origin: germline.

Labcorp Genetics (formerly Invitae), Labcorp
Classification: Likely benign. Last evaluated: 2025-12-08. Review status: criteria provided, single submitter. Criteria: Invitae Variant Classification Sherloc (09022015). Collection method: clinical testing. Allele origin: germline.

Blueprint Genetics
Classification: Likely benign. Last evaluated: 2024-02-14. Review status: criteria provided, single submitter. Criteria: ACMG Guidelines, 2015. Collection method: clinical testing. Allele origin: germline.

Illumina Laboratory Services, Illumina
Classification: Likely benign for Cerebral arteriopathy, autosomal dominant, with subcortical infarcts and leukoencephalopathy, type 1. Last evaluated: 2018-01-13. Review status: criteria provided, single submitter. Criteria: ICSL Variant Classification Criteria 13 December 2019. Collection method: clinical testing. Allele origin: germline.
Comment: This variant was observed in the ICSL laboratory as part of a predisposition screen in an ostensibly healthy population. It had not been previously curated by ICSL or reported in the Human Gene Mutation Database (HGMD: prior to June 1st, 2018), and was therefore a candidate for classification through an automated scoring system. Utilizing variant allele frequency, disease prevalence and penetrance estimates, and inheritance mode, an automated score was calculated to assess if this variant is too frequent to cause the disease. Based on the score and internal cut-off values, a variant classified as likely benign is not then subjected to further curation. The score for this variant resulted in a classification of likely benign for this disease.